The following is an entry in ClinVar:

NM_005188.4(CBL):c.2363G>A (p.Arg788Gln)

Gene: CBL (Cbl proto-oncogene; plus strand). Cytogenetic location: 11q23.3.
Variant type: single nucleotide variant.
Coding change: c.2363G>A on transcript NM_005188.4 (MANE Select); coding-DNA position 2363, G replaced by A.
Protein change: p.Arg788Gln; replaces arginine 788 with glutamine.
Molecular consequence: missense variant.
Genome position (GRCh38, 1-based): chr11:119,298,469, G>A. VCF-style: chr11-119298469-G-A. GRCh37 (hg19) VCF-style: chr11-119169179-G-A.
Other names: p.R788Q:CGA>CAA; short protein forms R788Q.
Identifiers: ClinVar variation 180823 (VCV000180823.25), dbSNP rs150811339, ClinGen allele CA296008.

ClinVar aggregate classification (germline): Conflicting classifications of pathogenicity. Review status: criteria provided, conflicting classifications (1 of 4 stars). 8 submissions from 8 submitters: Uncertain significance (3); Benign (1); Likely benign (4). Last evaluated 2026-08-06.

Conditions:
Cardiovascular phenotype. Identifiers: MedGen CN230736.
RASopathy. Also called: Noonan spectrum disorder; rasopathies. Identifiers: Orphanet 536391, MedGen C5555857, MONDO:0021060.

Allele frequency attached by ClinVar (database versions not stated): TOPMed 0.00040; gnomAD exomes 0.00003 and 0.00011; 1000 Genomes Project 30x 0.00016; ExAC 0.00016; 1000 Genomes Project 0.00020; ESP Exome Variant Server 0.00031; gnomAD 0.00032 and 0.00036.
gnomAD v4.1: 91 of 1,614,180 alleles (0.0056%); highest among the groups gnomAD compares: African/African-American, 0.081%; no homozygotes.

Submissions (8):

OLLIN Analises Genomicas, OLLIN
Classification: Uncertain significance. Last evaluated: 2026-08-06. Review status: criteria provided, single submitter. Criteria: ACMG Guidelines 2015 PMID 25741868. Collection method: clinical testing. Allele origin: germline.
Comment: This missense variant, located in exon 15 (of 16), has been reported in ClinVar (accession VCV002990316.3) and in gnomAD with an allele frequency of 0.0056%. However, to our knowledge, it has not been reported in the scientific literature. In silico analysis is inconclusive regarding the impact of this variant. According to the currently available evidence, this variant has been classified as uncertain significance (BS1).

Labcorp Genetics (formerly Invitae), Labcorp
Classification: Likely benign for RASopathy. Last evaluated: 2026-02-03. Review status: criteria provided, single submitter. Criteria: Invitae Variant Classification Sherloc (09022015). Collection method: clinical testing. Allele origin: germline.

Ambry Genetics
Classification: Likely benign for Cardiovascular phenotype. Last evaluated: 2025-04-11. Review status: criteria provided, single submitter. Criteria: Ambry Variant Classification Scheme 2023. Collection method: clinical testing. Allele origin: germline.

Women's Health and Genetics/Laboratory Corporation of America, LabCorp
Classification: Likely benign. Last evaluated: 2025-02-24. Review status: criteria provided, single submitter. Criteria: LabCorp Variant Classification Summary - May 2015. Collection method: clinical testing. Allele origin: germline.
Comment: Variant summary: CBL c.2363G>A (p.Arg788Gln) results in a conservative amino acid change in the encoded protein sequence. Three of five in-silico tools predict a damaging effect of the variant on protein function. The variant allele was found at a frequency of 0.00011 in 251456 control chromosomes. The observed variant frequency is approximately 44.54 fold of the estimated maximal expected allele frequency for a pathogenic variant in CBL causing Noonan Syndrome And Related Conditions phenotype (2.5e-06). To our knowledge, no occurrence of c.2363G>A in individuals affected with Noonan Syndrome And Related Conditions and no experimental evidence demonstrating its impact on protein function have been reported. ClinVar contains an entry for this variant (Variation ID: 180823). Based on the evidence outlined above, the variant was classified as likely benign.

Blueprint Genetics
Classification: Likely benign. Last evaluated: 2024-07-15. Review status: criteria provided, single submitter. Criteria: ACMG Guidelines, 2015. Collection method: clinical testing. Allele origin: germline.

Genetic Services Laboratory, University of Chicago
Classification: Uncertain significance. Last evaluated: 2021-06-18. Review status: criteria provided, single submitter. Criteria: ACMG Guidelines, 2015. Collection method: clinical testing. Allele origin: germline. Affected: no.
Comment: DNA sequence analysis of the CBL gene demonstrated a sequence change, c.2363G>A, in exon 15 that results in an amino acid change, p.Arg788Gln. This sequence change has been described in the gnomAD database with a frequency of 0.08% in the African American/African subpopulation (dbSNP rs150811339). The p.Arg788Gln change affects a moderately conserved amino acid residue located in a domain of the CBL protein that is not known to be functional. In-silico pathogenicity prediction tools (SIFT, PolyPhen2, Align GVGD, REVEL) provide contradictory results for the p.Arg788Gln substitution. This sequence change does not appear to have been previously described in patients with CBL-related disorders. Due to insufficient evidences and the lack of functional studies, the clinical significance of the p.Arg788Gln change remains unknown at this time.

GeneDx
Classification: Benign. Last evaluated: 2020-03-03. Review status: criteria provided, single submitter. Criteria: GeneDx Variant Classification Process June 2021. Collection method: clinical testing. Allele origin: germline. Affected: yes.
Comment: In silico analysis, which includes protein predictors and evolutionary conservation, supports that this variant does not alter protein structure/function; Has not been previously published as pathogenic or benign to our knowledge

Revvity Omics, Revvity
Classification: Uncertain significance. Last evaluated: 2020-02-04. Review status: criteria provided, single submitter. Criteria: ACMG Guidelines, 2015. Collection method: clinical testing. Allele origin: germline.